The following is an entry in ClinVar:

ClinVar aggregate classification (germline): Uncertain significance (1 of 4 stars; one submission).

Allele frequency attached by ClinVar (database versions not stated): TOPMed 0.00001 and below 0.00001; gnomAD 0.00001.
gnomAD v4.1: 1 of 1,613,228 alleles (0.000062%); highest among the groups gnomAD compares: Non-Finnish European, 0.000085%; no homozygotes.

Submission:

Laboratory for Molecular Medicine, Mass General Brigham Personalized Medicine
Classification: Uncertain significance. Last evaluated: 2012-05-31. Review status: criteria provided, single submitter. Criteria: LMM Criteria. Collection method: clinical testing. Allele origin: germline. Observed: 1 variant allele.
Comment: The Ile16571Leu variant in TTN has not been identified in large and broad popula tions screened by the NHLBI Exome Sequencing Project (du/EVS). This low frequency is consistent with a disease causing role but insuff icient to establish this with confidence. Computational analyses (biochemical am ino acid properties, conservation, AlignGVGD, PolyPhen2, and SIFT) suggest that the Ile16571Leu variant may not impact the protein, though this information is n ot predictive enough to rule out pathogenicity. Additional information is needed to fully assess the clinical significance of the Ile16571Leu variant.

NM_001267550.2(TTN):c.57415A>C (p.Ile19139Leu)

Genes: TTN-AS1 (TTN antisense RNA 1; plus strand), TTN (titin; minus strand). Cytogenetic location: 2q31.2.
Variant type: single nucleotide variant.
Coding change: c.57415A>C on transcript NM_001267550.2 (MANE Select); coding-DNA position 57415, A replaced by C.
Protein change: p.Ile19139Leu; replaces isoleucine 19139 with leucine.
Molecular consequence: missense variant. On other transcripts: non-coding transcript variant (2).
Genome position (GRCh38, 1-based): chr2:178,597,667, T>G on the plus strand (A>C on the coding strand, the complement: TTN is on the minus strand). VCF-style: chr2-178597667-T-G. GRCh37 (hg19) VCF-style: chr2-179462394-T-G.
Other names: c.49711A>C, p.Ile16571Leu (NM_133378.4); c.52492A>C, p.Ile17498Leu (NM_001256850.1); c.30220A>C, p.Ile10074Leu (NM_003319.4); c.30595A>C, p.Ile10199Leu (NM_133432.3); c.30796A>C, p.Ile10266Leu (NM_133437.4); short protein forms I19139L, I16571L, I10266L, I10199L, I10074L, I17498L.
Identifiers: ClinVar variation 47122 (VCV000047122.5), dbSNP rs397517629, ClinGen allele CA140063.